The following is an entry in ClinVar:

NM_212482.4(FN1):c.6568T>A (p.Tyr2190Asn)

Gene: FN1 (fibronectin 1; minus strand). Cytogenetic location: 2q35.
Variant type: single nucleotide variant.
Coding change: c.6568T>A on transcript NM_212482.4 (MANE Select); coding-DNA position 6568, T replaced by A.
Protein change: p.Tyr2190Asn; replaces tyrosine 2190 with asparagine.
Molecular consequence: missense variant. On other transcripts: intron variant (10).
Genome position (GRCh38, 1-based): chr2:215,372,055, A>T on the plus strand (T>A on the coding strand, the complement: FN1 is on the minus strand). VCF-style: chr2-215372055-A-T. GRCh37 (hg19) VCF-style: chr2-216236778-A-T.
Other names: c.5978-40T>A (NM_001306130.2); c.6170-40T>A (NM_001365522.2); c.6245-40T>A (NM_001365521.2); c.6515-40T>A (NM_001306129.2); c.6220T>A, p.Tyr2074Asn (NM_001365520.2); c.5950T>A, p.Tyr1984Asn (NM_001365523.2); c.6025T>A, p.Tyr2009Asn (NM_212476.3); c.5705-40T>A (NM_212474.3); and 9 more; short protein forms Y2075N, Y1984N, Y2009N, Y2099N, Y2074N, Y2100N, Y2190N.
Identifiers: ClinVar variation 3016852 (VCV003016852.4), dbSNP rs1386858560, ClinGen allele CA350466183.

ClinVar aggregate classification (germline): Uncertain significance. Review status: criteria provided, multiple submitters, no conflicts (2 of 4 stars). 2 submissions from 2 submitters: Uncertain significance (2). Last evaluated 2025-11-13.

Conditions:
FN1-related disorder. Also called: FN1-related condition.

Allele frequency attached by ClinVar (database versions not stated): TOPMed below 0.00001; gnomAD 0.00001.
gnomAD v4.1: 4 of 1,614,064 alleles (0.00025%); highest among the groups gnomAD compares: Admixed American, 0.0067%; no homozygotes.

Submissions (2):

PreventionGenetics, part of Exact Sciences
Classification: Uncertain significance for FN1-related condition. Last evaluated: 2025-11-13. Review status: criteria provided, single submitter. Criteria: ACMG Guidelines, 2015. Collection method: clinical testing. Allele origin: germline.
Comment: The FN1 c.6568T>A variant is predicted to result in the amino acid substitution p.Tyr2190Asn. To our knowledge, this variant has not been reported in the literature. This variant is reported in 0.012% of alleles in individuals of Latino descent in gnomAD. At this time, the clinical significance of this variant is uncertain due to the absence of conclusive functional and genetic evidence.

Labcorp Genetics (formerly Invitae), Labcorp
Classification: Uncertain significance. Last evaluated: 2022-11-15. Review status: criteria provided, single submitter. Criteria: Invitae Variant Classification Sherloc (09022015). Collection method: clinical testing. Allele origin: germline.
Comment: This sequence change replaces tyrosine, which is neutral and polar, with asparagine, which is neutral and polar, at codon 2190 of the FN1 protein (p.Tyr2190Asn). This variant is present in population databases (no rsID available, gnomAD 0.01%). This variant has not been reported in the literature in individuals affected with FN1-related conditions. Algorithms developed to predict the effect of missense changes on protein structure and function are either unavailable or do not agree on the potential impact of this missense change (SIFT: "Not Available"; PolyPhen-2: "Benign"; Align-GVGD: "Not Available"). In summary, the available evidence is currently insufficient to determine the role of this variant in disease. Therefore, it has been classified as a Variant of Uncertain Significance.